The following is an entry in ClinVar:

ClinVar aggregate classification (germline): Pathogenic. Review status: criteria provided, multiple submitters, no conflicts (2 of 4 stars). 2 submissions from 2 submitters: Pathogenic (2). Last evaluated 2022-08-21.

Conditions:
Baller-Gerold syndrome (BGS). Also called: CRANIOSYNOSTOSIS WITH RADIAL DEFECTS. Identifiers: Orphanet 1225, MedGen C0265308, MONDO:0009039, OMIM 218600.

gnomAD v4.1: 2 of 1,604,910 alleles (0.00012%); highest among the groups gnomAD compares: East Asian, 0.0022%; no homozygotes.

Submissions (2):

Labcorp Genetics (formerly Invitae), Labcorp
Classification: Pathogenic for Baller-Gerold syndrome. Last evaluated: 2022-08-21. Review status: criteria provided, single submitter. Criteria: Invitae Variant Classification Sherloc (09022015). Collection method: clinical testing. Allele origin: germline.
Comment: This sequence change creates a premature translational stop signal (p.Glu918*) in the RECQL4 gene. It is expected to result in an absent or disrupted protein product. Loss-of-function variants in RECQL4 are known to be pathogenic (PMID: 12734318, 12952869). This variant is not present in population databases (gnomAD no frequency). This premature translational stop signal has been observed in individual(s) with Rothmund-Thomson syndrome (PMID: 30007837). ClinVar contains an entry for this variant (Variation ID: 597188). Algorithms developed to predict the effect of sequence changes on RNA splicing suggest that this variant may disrupt the consensus splice site. For these reasons, this variant has been classified as Pathogenic.

Eurofins Ntd Llc (ga)
Classification: Pathogenic. Last evaluated: 2018-05-17. Review status: criteria provided, single submitter. Criteria: EGL ClinVar v180209 classification definitions. Collection method: clinical testing. Allele origin: germline. Observed: 1 variant allele, 1 heterozygote.

Literature cited by the submitters: PubMed 12734318 (cited by Labcorp Genetics (formerly Invitae), Labcorp); PubMed 12952869 (cited by Labcorp Genetics (formerly Invitae), Labcorp); PubMed 30007837 (cited by Labcorp Genetics (formerly Invitae), Labcorp).

NM_004260.4(RECQL4):c.2752G>T (p.Glu918Ter)

Gene: RECQL4 (RecQ like helicase 4; minus strand). Cytogenetic location: 8q24.3.
Variant type: single nucleotide variant.
Coding change: c.2752G>T on transcript NM_004260.4 (MANE Select); coding-DNA position 2752, G replaced by T.
Protein change: p.Glu918Ter; replaces glutamic acid 918 with a stop codon.
Molecular consequence: nonsense.
Genome position (GRCh38, 1-based): chr8:144,512,850, C>A on the plus strand (G>T on the coding strand, the complement: RECQL4 is on the minus strand). VCF-style: chr8-144512850-C-A. GRCh37 (hg19) VCF-style: chr8-145738233-C-A.
Other names: short protein forms E918*.
Identifiers: ClinVar variation 597188 (VCV000597188.9), dbSNP rs762028333, ClinGen allele CA372674728.